The following is an entry in ClinVar:

ClinVar aggregate classification (germline): Likely benign (1 of 4 stars; one submission).

Allele frequency attached by ClinVar (database versions not stated): gnomAD exomes below 0.00001.
gnomAD v4.1: 2 of 1,209,636 alleles (0.00017%); highest among the groups gnomAD compares: Non-Finnish European, 0.00022%; no homozygotes.

Submission:

CeGaT Center for Human Genetics Tuebingen
Classification: Likely benign. Last evaluated: 2023-04-01. Review status: criteria provided, single submitter. Criteria: CeGaT Center For Human Genetics Tuebingen Variant Classification Criteria Version 2. Collection method: clinical testing. Allele origin: germline. Affected: yes. Observed: 1 variant allele.
Comment: TSPYL2: PM2:Supporting, BP4, BP7

NM_022117.4(TSPYL2):c.513A>C (p.Ile171=)

Gene: TSPYL2 (TSPY like 2; plus strand). Cytogenetic location: Xp11.22.
Variant type: single nucleotide variant.
Coding change: c.513A>C on transcript NM_022117.4 (MANE Select); coding-DNA position 513, A replaced by C.
Protein change: p.Ile171=; no amino-acid change (isoleucine 171 retained).
Molecular consequence: synonymous variant.
Genome position (GRCh38, 1-based): chrX:53,083,011, A>C. VCF-style: chrX-53083011-A-C. GRCh37 (hg19) VCF-style: chrX-53112193-A-C.
Identifiers: ClinVar variation 2660578 (VCV002660578.24), dbSNP rs2519228715, ClinGen allele CA516671336.
Genomic context (GRCh38, chrX:53,083,011, plus strand): 5'-AGTGGGGTGGGCGCCCCAGAGGTTAGTTGACCCGAAGAGCAAGGAAGAGGCGATCATCAT[A>C]GTGGAGGATGAGGATGAGGATGAGCGGGAGAGTATGAGGAGCAGCAGGAGGCGGCGGCGG-3'
Protein context (NP_071400.1, residues 161-181): DPKSKEEAII[Ile171=]VEDEDEDERE